The following is an entry in ClinVar:

NM_005236.3(ERCC4):c.2169C>A (p.Cys723Ter)

Gene: ERCC4 (ERCC excision repair 4, endonuclease catalytic subunit; plus strand). Cytogenetic location: 16p13.12.
Variant type: single nucleotide variant.
Coding change: c.2169C>A on transcript NM_005236.3 (MANE Select); coding-DNA position 2169, C replaced by A.
Protein change: p.Cys723Ter; replaces cysteine 723 with a stop codon.
Molecular consequence: nonsense.
Genome position (GRCh38, 1-based): chr16:13,947,765, C>A. VCF-style: chr16-13947765-C-A. GRCh37 (hg19) VCF-style: chr16-14041622-C-A.
Other names: short protein forms C723*.
Identifiers: ClinVar variation 664022 (VCV000664022.11), dbSNP rs2020959, ClinGen allele CA7910691.

ClinVar aggregate classification (germline): Pathogenic/Likely pathogenic. Review status: criteria provided, multiple submitters, no conflicts (2 of 4 stars). 4 submissions from 4 submitters: Pathogenic (1); Likely pathogenic (2). 1 of the submissions does not count toward it. Last evaluated 2024-06-08.

Conditions:
Fanconi anemia complementation group Q. Identifiers: Orphanet 84, MedGen C3808988, MONDO:0014108, OMIM 615272.
Cockayne syndrome. Identifiers: Orphanet 191, MedGen C0009207, MONDO:0016006.
Xeroderma pigmentosum, group F (XPF). Also called: XERODERMA PIGMENTOSUM, COMPLEMENTATION GROUP F; XERODERMA PIGMENTOSUM VI; XP, GROUP F; XERODERMA PIGMENTOSUM, TYPE F; Xeroderma pigmentosum, type 6; ERCC4-Related Xeroderma Pigmentosum. Identifiers: MedGen C0268140, MONDO:0010215, OMIM 278760.
XFE progeroid syndrome (XFEPS). Also called: XPF-ERCC1 PROGEROID SYNDROME. Identifiers: MedGen C1970416, MONDO:0012590, OMIM 610965.

Allele frequency attached by ClinVar (database versions not stated): gnomAD 0.00001; TOPMed 0.00001.
gnomAD v4.1: 5 of 1,614,102 alleles (0.00031%); highest among the groups gnomAD compares: East Asian, 0.011%; no homozygotes.

Submissions (4):

GeneDx
Classification: Likely pathogenic. Last evaluated: 2024-06-08. Review status: criteria provided, single submitter. Criteria: GeneDx Variant Classification Process June 2021. Collection method: clinical testing. Allele origin: germline. Affected: yes.
Comment: Identified in the heterozygous state in patients with sarcoma, breast cancer, and colon cancer in the published literature, however, familial segregation data was not included (PMID: 28878254, 31350202); Published functional studies suggest a damaging effect (PMID: 24412486); Nonsense variant predicted to result in protein truncation, as the last 194 amino acids are lost, and other loss-of-function variants have been reported downstream in HGMD or GeneDx.; This variant is associated with the following publications: (PMID: 24412486, 28878254, 35929646, 31350202)

Fulgent Genetics
Classification: Likely pathogenic for Xeroderma pigmentosum, group F; XFE progeroid syndrome; Fanconi anemia complementation group Q. Last evaluated: 2024-02-08. Review status: criteria provided, single submitter. Criteria: ACMG Guidelines, 2015. Collection method: clinical testing. Allele origin: germline.

Labcorp Genetics (formerly Invitae), Labcorp
Classification: Pathogenic for Fanconi anemia complementation group Q; Xeroderma pigmentosum, group F; Cockayne syndrome. Last evaluated: 2023-06-21. Review status: criteria provided, single submitter. Criteria: Invitae Variant Classification Sherloc (09022015). Collection method: clinical testing. Allele origin: germline.
Comment: Algorithms developed to predict the effect of variants on protein structure and function are not available or were not evaluated for this variant. This sequence change creates a premature translational stop signal (p.Cys723*) in the ERCC4 gene. While this is not anticipated to result in nonsense mediated decay, it is expected to disrupt the last 194 amino acid(s) of the ERCC4 protein. This variant is present in population databases (rs2020959, gnomAD 0.04%). This premature translational stop signal has been observed in individual(s) with giant cell tumor of the bone and in an individual with alveolar rhabdomyosarcoma (PMID: 28878254). ClinVar contains an entry for this variant (Variation ID: 664022). Experimental studies have shown that this premature translational stop signal affects ERCC4 function (PMID: 24412486). Algorithms developed to predict the effect of sequence changes on RNA splicing suggest that this variant may create or strengthen a splice site. This variant disrupts the p.Arg799 amino acid residue in ERCC4. Other variant(s) that disrupt this residue have been determined to be pathogenic (PMID: 8797827, 9579555, 20221251, 23623389, 26074087, 29403087, 29892709). This suggests that this residue is clinically significant, and that variants that disrupt this residue are likely to be disease-causing. For these reasons, this variant has been classified as Pathogenic.

Leiden Open Variation Database
Classification: Uncertain significance. Last evaluated: 2017-03-28. Review status: no assertion criteria provided. Collection method: curation. Allele origin: germline. Affected: yes. Not counted in ClinVar's aggregate classification.
Comment: Curator: Arleen D. Auerbach. Submitter to LOVD: Gerard C.P. Schaafsma.

Literature cited by the submitters: PubMed 28878254 (cited by Labcorp Genetics (formerly Invitae), Labcorp); PubMed 24412486 (cited by Labcorp Genetics (formerly Invitae), Labcorp); PubMed 8797827 (cited by Labcorp Genetics (formerly Invitae), Labcorp); PubMed 9579555 (cited by Labcorp Genetics (formerly Invitae), Labcorp); PubMed 20221251 (cited by Labcorp Genetics (formerly Invitae), Labcorp); PubMed 23623389 (cited by Labcorp Genetics (formerly Invitae), Labcorp); PubMed 26074087 (cited by Labcorp Genetics (formerly Invitae), Labcorp); PubMed 29403087 (cited by Labcorp Genetics (formerly Invitae), Labcorp); PubMed 29892709 (cited by Labcorp Genetics (formerly Invitae), Labcorp).